The following is an entry in ClinVar:

NM_017654.4(SAMD9):c.2238G>C (p.Leu746Phe)

Gene: SAMD9 (sterile alpha motif domain containing 9; minus strand). Cytogenetic location: 7q21.2.
Variant type: single nucleotide variant.
Coding change: c.2238G>C on transcript NM_017654.4 (MANE Select); coding-DNA position 2238, G replaced by C.
Protein change: p.Leu746Phe; replaces leucine 746 with phenylalanine.
Molecular consequence: missense variant.
Genome position (GRCh38, 1-based): chr7:93,103,860, C>G on the plus strand (G>C on the coding strand, the complement: SAMD9 is on the minus strand). VCF-style: chr7-93103860-C-G. GRCh37 (hg19) VCF-style: chr7-92733173-C-G.
Other names: c.2238G>C, p.Leu746Phe (NM_001193307.2); short protein forms L746F.
Identifiers: ClinVar variation 3636741 (VCV003636741.2).

ClinVar aggregate classification (germline): Uncertain significance (1 of 4 stars; one submission).

gnomAD v4.1: 1 of 1,613,940 alleles (0.000062%); no homozygotes.

Submission:

Labcorp Genetics (formerly Invitae), Labcorp
Classification: Uncertain significance. Last evaluated: 2024-09-03. Review status: criteria provided, single submitter. Criteria: Invitae Variant Classification Sherloc (09022015). Collection method: clinical testing. Allele origin: germline.
Comment: This sequence change replaces leucine, which is neutral and non-polar, with phenylalanine, which is neutral and non-polar, at codon 746 of the SAMD9 protein (p.Leu746Phe). This variant is not present in population databases (gnomAD no frequency). This variant has not been reported in the literature in individuals affected with SAMD9-related conditions. Invitae Evidence Modeling of protein sequence and biophysical properties (such as structural, functional, and spatial information, amino acid conservation, physicochemical variation, residue mobility, and thermodynamic stability) has been performed for this missense variant. However, the output from this modeling did not meet the statistical confidence thresholds required to predict the impact of this variant on SAMD9 protein function. In summary, the available evidence is currently insufficient to determine the role of this variant in disease. Therefore, it has been classified as a Variant of Uncertain Significance.